The following is an entry in ClinVar:

ClinVar aggregate classification (germline): Uncertain significance (1 of 4 stars; one submission).

Conditions:
Medium-chain acyl-coenzyme A dehydrogenase deficiency (ACADMD). Also called: CARNITINE DEFICIENCY SECONDARY TO MEDIUM-CHAIN ACYL-CoA DEHYDROGENASE DEFICIENCY; MCAD Deficiency; MCADH DEFICIENCY; Medium chain acyl-CoA dehydrogenase deficiency; MCADD; ACADM DEFICIENCY. Identifiers: Orphanet 42, MedGen C0220710, MONDO:0008721, OMIM 201450.

Allele frequency attached by ClinVar (database versions not stated): ExAC 0.00001.

Submission:

Labcorp Genetics (formerly Invitae), Labcorp
Classification: Uncertain significance for Medium-chain acyl-coenzyme A dehydrogenase deficiency. Last evaluated: 2025-05-27. Review status: criteria provided, single submitter. Criteria: Invitae Variant Classification Sherloc (09022015). Collection method: clinical testing. Allele origin: germline.
Comment: This sequence change falls in intron 1 of the ACADM gene. It does not directly change the encoded amino acid sequence of the ACADM protein. This variant is present in population databases (rs756654520, gnomAD 0.005%). This variant has not been reported in the literature in individuals affected with ACADM-related conditions. ClinVar contains an entry for this variant (Variation ID: 2132659). Algorithms developed to predict the effect of sequence changes on RNA splicing suggest that this variant may disrupt the consensus splice site. In summary, the available evidence is currently insufficient to determine the role of this variant in disease. Therefore, it has been classified as a Variant of Uncertain Significance.

NM_000016.6(ACADM):c.31-5T>A

Gene: ACADM (acyl-CoA dehydrogenase medium chain; plus strand). Cytogenetic location: 1p31.1.
Variant type: single nucleotide variant.
Coding change: c.31-5T>A on transcript NM_000016.6 (MANE Select); 5 bases into the intron before coding-DNA position 31, T replaced by A.
Molecular consequence: intron variant. On other transcripts: nonsense (1).
Genome position (GRCh38, 1-based): chr1:75,728,396, T>A. VCF-style: chr1-75728396-T-A. GRCh37 (hg19) VCF-style: chr1-76194081-T-A.
Other names: c.38T>A, p.Leu13Ter (NM_001127328.3); c.31-5T>A (NM_001286043.2); c.10+3579T>A (NM_001286042.2); c.-268+3579T>A (NM_001286044.2); short protein forms L13*.
Identifiers: ClinVar variation 2132659 (VCV002132659.4), dbSNP rs756654520, ClinGen allele CA912929.